The following is an entry in ClinVar:

ClinVar aggregate classification (germline): Uncertain significance (1 of 4 stars; one submission).

Conditions:
Holoprosencephaly 3 (HPE3). Identifiers: Orphanet 2162, MedGen C1840529, MONDO:0007733, OMIM 142945.

Allele frequency attached by ClinVar (database versions not stated): gnomAD exomes below 0.00001.
gnomAD v4.1: 1 of 1,510,526 alleles (0.000066%); highest among the groups gnomAD compares: Admixed American, 0.0021%; no homozygotes.

Submission:

Labcorp Genetics (formerly Invitae), Labcorp
Classification: Uncertain significance for Holoprosencephaly 3. Last evaluated: 2023-02-08. Review status: criteria provided, single submitter. Criteria: Invitae Variant Classification Sherloc (09022015). Collection method: clinical testing. Allele origin: germline.
Comment: This variant has not been reported in the literature in individuals affected with SHH-related conditions. Advanced modeling of protein sequence and biophysical properties (such as structural, functional, and spatial information, amino acid conservation, physicochemical variation, residue mobility, and thermodynamic stability) performed at Invitae indicates that this missense variant is not expected to disrupt SHH protein function. In summary, the available evidence is currently insufficient to determine the role of this variant in disease. Therefore, it has been classified as a Variant of Uncertain Significance. The frequency data for this variant in the population databases is considered unreliable, as metrics indicate poor data quality at this position in the gnomAD database. This sequence change replaces alanine, which is neutral and non-polar, with valine, which is neutral and non-polar, at codon 342 of the SHH protein (p.Ala342Val).

NM_000193.4(SHH):c.1025C>T (p.Ala342Val)

Gene: SHH (sonic hedgehog signaling molecule; minus strand). Cytogenetic location: 7q36.3.
Variant type: single nucleotide variant.
Coding change: c.1025C>T on transcript NM_000193.4 (MANE Select); coding-DNA position 1025, C replaced by T.
Protein change: p.Ala342Val; replaces alanine 342 with valine.
Molecular consequence: missense variant. On other transcripts: intron variant (1).
Genome position (GRCh38, 1-based): chr7:155,803,264, G>A on the plus strand (C>T on the coding strand, the complement: SHH is on the minus strand). VCF-style: chr7-155803264-G-A. GRCh37 (hg19) VCF-style: chr7-155595958-G-A.
Other names: c.302-3019C>T (NM_001310462.2); short protein forms A342V.
Identifiers: ClinVar variation 2715048 (VCV002715048.3), dbSNP rs1469041426, ClinGen allele CA370145380.
Genomic context (GRCh38, chr7:155,803,264, plus strand): 5'-GAGGCCAGCACCCGGTTGATGAGAATGGTGCCCTGGGCCGTGAGCGGCGCGTAGGCGCCC[G>A]CGGCCTCCTCGCTTAGGGTCACGCTGTGCACAGCGGCGGGCAGGAGCCGGCGGTCCCCGT-3'
Protein context (NP_000184.1, residues 332-352): VHSVTLSEEA[Ala342Val]GAYAPLTAQG